The following is an entry in ClinVar:

ClinVar aggregate classification (germline): Uncertain significance. Review status: criteria provided, multiple submitters, no conflicts (2 of 4 stars). 2 submissions from 2 submitters: Uncertain significance (2). Last evaluated 2025-01-03.

Allele frequency attached by ClinVar (database versions not stated): gnomAD exomes below 0.00001; TOPMed below 0.00001; ExAC 0.00001.
gnomAD v4.1: 1 of 1,589,734 alleles (0.000063%); highest among the groups gnomAD compares: Non-Finnish European, 0.000086%; no homozygotes.

Submissions (2):

Women's Health and Genetics/Laboratory Corporation of America, LabCorp
Classification: Uncertain significance. Last evaluated: 2025-01-03. Review status: criteria provided, single submitter. Criteria: LabCorp Variant Classification Summary - May 2015. Collection method: clinical testing. Allele origin: germline.
Comment: Variant summary: RAI1 c.2465C>T (p.Ala822Val) results in a non-conservative amino acid change in the encoded protein sequence. Four of five in-silico tools predict a benign effect of the variant on protein function. The variant allele was found at a frequency of 4.5e-06 in 222396 control chromosomes. The available data on variant occurrences in the general population are insufficient to allow any conclusion about variant significance. To our knowledge, no occurrence of c.2465C>T in individuals affected with Smith-Magenis Syndrome and no experimental evidence demonstrating its impact on protein function have been reported. ClinVar contains an entry for this variant (Variation ID: 2754276). Based on the evidence outlined above, the variant was classified as uncertain significance.

Labcorp Genetics (formerly Invitae), Labcorp
Classification: Uncertain significance. Last evaluated: 2024-01-29. Review status: criteria provided, single submitter. Criteria: Invitae Variant Classification Sherloc (09022015). Collection method: clinical testing. Allele origin: germline.
Comment: This sequence change replaces alanine, which is neutral and non-polar, with valine, which is neutral and non-polar, at codon 822 of the RAI1 protein (p.Ala822Val). The frequency data for this variant in the population databases is considered unreliable, as metrics indicate poor data quality at this position in the gnomAD database. This variant has not been reported in the literature in individuals affected with RAI1-related conditions. Advanced modeling of protein sequence and biophysical properties (such as structural, functional, and spatial information, amino acid conservation, physicochemical variation, residue mobility, and thermodynamic stability) performed at Invitae indicates that this missense variant is not expected to disrupt RAI1 protein function with a negative predictive value of 80%. In summary, the available evidence is currently insufficient to determine the role of this variant in disease. Therefore, it has been classified as a Variant of Uncertain Significance.

NM_030665.4(RAI1):c.2465C>T (p.Ala822Val)

Gene: RAI1 (retinoic acid induced 1; plus strand). Cytogenetic location: 17p11.2.
Variant type: single nucleotide variant.
Coding change: c.2465C>T on transcript NM_030665.4 (MANE Select); coding-DNA position 2465, C replaced by T.
Protein change: p.Ala822Val; replaces alanine 822 with valine.
Molecular consequence: missense variant.
Genome position (GRCh38, 1-based): chr17:17,795,413, C>T. VCF-style: chr17-17795413-C-T. GRCh37 (hg19) VCF-style: chr17-17698727-C-T.
Other names: short protein forms A822V.
Identifiers: ClinVar variation 2754276 (VCV002754276.5), dbSNP rs764542538, ClinGen allele CA8418544.
Genomic context (GRCh38, chr17:17,795,413, plus strand): 5'-AGGTGGCCTCGTTGCCCGGGGACTTCAAGCAGGAGGAGGTGGGTGGGGTGAAGGAGGAGG[C>T]AGGTGGGCTGCTGCAGTGCCCCGAGGTGGCCAAGGCTGACCGGTGGCTGGAGGACAGCCG-3'
Protein context (NP_109590.3, residues 812-832): QEEVGGVKEE[Ala822Val]GGLLQCPEVA